The following is an entry in ClinVar:

ClinVar aggregate classification (germline): Uncertain significance (1 of 4 stars; one submission).

Submission:

Women's Health and Genetics/Laboratory Corporation of America, LabCorp
Classification: Uncertain significance. Last evaluated: 2026-05-07. Review status: criteria provided, single submitter. Criteria: LabCorp Variant Classification Summary - May 2015. Collection method: clinical testing. Allele origin: germline.
Comment: Variant summary: MTOR c.6405C>A (p.Asp2135Glu) results in a conservative amino acid change in the encoded protein sequence. Algorithms developed to predict the effect of missense changes on protein structure and function are either unavailable or do not agree on the potential impact of this missense change. The variant was absent in 251488 control chromosomes. The available data on variant occurrences in the general population are insufficient to allow any conclusion about variant significance. To our knowledge, no occurrence of c.6405C>A in individuals affected with MTOR-related conditions and no experimental evidence demonstrating its impact on protein function have been reported. No submitters have cited clinical-significance assessments for this variant to ClinVar. Based on the evidence outlined above, the variant was classified as uncertain significance.

NM_004958.4(MTOR):c.6405C>A (p.Asp2135Glu)

Gene: MTOR (mechanistic target of rapamycin kinase; minus strand). Cytogenetic location: 1p36.22.
Variant type: single nucleotide variant.
Coding change: c.6405C>A on transcript NM_004958.4 (MANE Select); coding-DNA position 6405, C replaced by A.
Protein change: p.Asp2135Glu; replaces aspartic acid 2135 with glutamic acid.
Molecular consequence: missense variant.
Genome position (GRCh38, 1-based): chr1:11,126,743, G>T on the plus strand (C>A on the coding strand, the complement: MTOR is on the minus strand). VCF-style: chr1-11126743-G-T. GRCh37 (hg19) VCF-style: chr1-11186800-G-T.
Other names: c.6405C>A, p.Asp2135Glu (NM_001386500.1); c.5157C>A, p.Asp1719Glu (NM_001386501.1); short protein forms D1719E, D2135E.
Identifiers: ClinVar variation 4853472 (VCV004853472.1).